The following is an entry in ClinVar:

NM_000429.3(MAT1A):c.25T>C (p.Cys9Arg)

Gene: MAT1A (methionine adenosyltransferase 1A; minus strand). Cytogenetic location: 10q22.3.
Variant type: single nucleotide variant.
Coding change: c.25T>C on transcript NM_000429.3 (MANE Select); coding-DNA position 25, T replaced by C.
Protein change: p.Cys9Arg; replaces cysteine 9 with arginine.
Molecular consequence: missense variant.
Genome position (GRCh38, 1-based): chr10:80,289,399, A>G on the plus strand (T>C on the coding strand, the complement: MAT1A is on the minus strand). VCF-style: chr10-80289399-A-G. GRCh37 (hg19) VCF-style: chr10-82049155-A-G.
Other names: short protein forms C9R.
Identifiers: ClinVar variation 2164749 (VCV002164749.4), dbSNP rs530273395, ClinGen allele CA5576919.

ClinVar aggregate classification (germline): Uncertain significance (1 of 4 stars; one submission).

Conditions:
Hepatic methionine adenosyltransferase deficiency. Also called: Methionine adenosyltransferase deficiency; MAT I/III DEFICIENCY; Deficiency of methionine adenosyltransferase; Isolated Persistent Hypermethioninemia. Identifiers: Orphanet 168598, MedGen C0268621, MeSH C564683, MONDO:0009607, OMIM 250850.

Allele frequency attached by ClinVar (database versions not stated): gnomAD 0.00001; TOPMed 0.00001; ExAC 0.00002; gnomAD exomes 0.00002.
gnomAD v4.1: 26 of 1,614,066 alleles (0.0016%); highest among the groups gnomAD compares: Non-Finnish European, 0.0021%; no homozygotes.

Submission:

Labcorp Genetics (formerly Invitae), Labcorp
Classification: Uncertain significance for Hepatic methionine adenosyltransferase deficiency. Last evaluated: 2022-12-02. Review status: criteria provided, single submitter. Criteria: Invitae Variant Classification Sherloc (09022015). Collection method: clinical testing. Allele origin: germline.
Comment: In summary, the available evidence is currently insufficient to determine the role of this variant in disease. Therefore, it has been classified as a Variant of Uncertain Significance. Algorithms developed to predict the effect of missense changes on protein structure and function output the following: SIFT: "Deleterious"; PolyPhen-2: "Benign"; Align-GVGD: "Class C0". The arginine amino acid residue is found in multiple mammalian species, which suggests that this missense change does not adversely affect protein function. This variant has not been reported in the literature in individuals affected with MAT1A-related conditions. This variant is present in population databases (rs530273395, gnomAD 0.005%). This sequence change replaces cysteine, which is neutral and slightly polar, with arginine, which is basic and polar, at codon 9 of the MAT1A protein (p.Cys9Arg).